The following is an entry in ClinVar:

NM_000303.3(PMM2):c.205C>G (p.Pro69Ala)

Gene: PMM2 (phosphomannomutase 2; plus strand). Cytogenetic location: 16p13.2.
Variant type: single nucleotide variant.
Coding change: c.205C>G on transcript NM_000303.3 (MANE Select); coding-DNA position 205, C replaced by G.
Protein change: p.Pro69Ala; replaces proline 69 with alanine.
Molecular consequence: missense variant.
Genome position (GRCh38, 1-based): chr16:8,804,793, C>G. VCF-style: chr16-8804793-C-G. GRCh37 (hg19) VCF-style: chr16-8898650-C-G.
Other names: short protein forms P69A.
Identifiers: ClinVar variation 3251840 (VCV003251840.1), dbSNP rs769648248.
Genomic context (GRCh38, chr16:8,804,793, plus strand): 5'-TGCATTCTAAGTGTTTTTTTGGTTTTGATTGTAGTGGTTGAAAAATACGATTATGTGTTT[C>G]CAGAAAATGGCTTGGTAGCATACAAAGATGGGAAACTCTTGTGTAGACAGGTAGGTTCTT-3'
Protein context (NP_000294.1, residues 59-79): DVVEKYDYVF[Pro69Ala]ENGLVAYKDG

ClinVar aggregate classification (germline): Uncertain significance (1 of 4 stars; one submission).

gnomAD v4.1: 1 of 1,613,230 alleles (0.000062%); highest among the groups gnomAD compares: African/African-American, 0.0013%; no homozygotes.

Submission:

Women's Health and Genetics/Laboratory Corporation of America, LabCorp
Classification: Uncertain significance. Last evaluated: 2024-04-19. Review status: criteria provided, single submitter. Criteria: LabCorp Variant Classification Summary - May 2015. Collection method: clinical testing. Allele origin: germline.
Comment: Variant summary: PMM2 c.205C>G (p.Pro69Ala) results in a non-conservative amino acid change in the encoded protein sequence. Three of five in-silico tools predict a damaging effect of the variant on protein function. The variant was absent in 251392 control chromosomes. The available data on variant occurrences in the general population are insufficient to allow any conclusion about variant significance. To our knowledge, no occurrence of c.205C>G in individuals affected with Congenital Disorder Of Glycosylation Type 1a and no experimental evidence demonstrating its impact on protein function have been reported. No submitters have cited clinical-significance assessments for this variant to ClinVar. Based on the evidence outlined above, the variant was classified as uncertain significance.